The following is an entry in ClinVar:

NM_003052.5(SLC34A1):c.1523C>T (p.Thr508Met)

Gene: SLC34A1 (solute carrier family 34 member 1; plus strand). Cytogenetic location: 5q35.3.
Variant type: single nucleotide variant.
Coding change: c.1523C>T on transcript NM_003052.5 (MANE Select); coding-DNA position 1523, C replaced by T.
Protein change: p.Thr508Met; replaces threonine 508 with methionine.
Molecular consequence: missense variant.
Genome position (GRCh38, 1-based): chr5:177,397,889, C>T. VCF-style: chr5-177397889-C-T. GRCh37 (hg19) VCF-style: chr5-176824890-C-T.
Other names: c.1523C>T (NM_003052.4); short protein forms T508M.
Identifiers: ClinVar variation 1037478 (VCV001037478.11), dbSNP rs148272921, ClinGen allele CA3580824.

ClinVar aggregate classification (germline): Uncertain significance. Review status: criteria provided, multiple submitters, no conflicts (2 of 4 stars). 4 submissions from 4 submitters: Uncertain significance (4). Last evaluated 2025-11-18.

Conditions:
SLC34A1-related disorder. Also called: SLC34A1-related condition; SLC34A1-related disorders.
Inborn genetic diseases. Identifiers: MedGen C0950123, MeSH D030342.
Hypercalcemia, infantile, 2 (HCINF2). Identifiers: Orphanet 300547, MedGen C4310473, MONDO:0014851, OMIM 616963.
Fanconi renotubular syndrome 2 (FRTS2). Identifiers: MedGen C3150652, MONDO:0013247, OMIM 613388.
Hypophosphatemic nephrolithiasis/osteoporosis 1. Identifiers: Orphanet 244305, MedGen C2676786, MONDO:0012850, OMIM 612286.

Allele frequency attached by ClinVar (database versions not stated): ExAC 0.00002; TOPMed 0.00002; gnomAD 0.00003; gnomAD exomes 0.00003; ESP Exome Variant Server 0.00008.
gnomAD v4.1: 27 of 1,613,836 alleles (0.0017%); highest among the groups gnomAD compares: African/African-American, 0.004%; no homozygotes.

Submissions (4):

PreventionGenetics, part of Exact Sciences
Classification: Uncertain significance for SLC34A1-related condition. Last evaluated: 2025-11-18. Review status: criteria provided, single submitter. Criteria: ACMG Guidelines, 2015. Collection method: clinical testing. Allele origin: germline.
Comment: The SLC34A1 c.1523C>T variant is predicted to result in the amino acid substitution p.Thr508Met. To our knowledge, this variant has not been reported in the literature. This variant is reported in 0.0080% of alleles in individuals of African descent in gnomAD. At this time, the clinical significance of this variant is uncertain due to the absence of conclusive functional and genetic evidence.

Ambry Genetics
Classification: Uncertain significance for Inborn genetic diseases. Last evaluated: 2024-10-16. Review status: criteria provided, single submitter. Criteria: Ambry Variant Classification Scheme 2023. Collection method: clinical testing. Allele origin: germline.

Fulgent Genetics
Classification: Uncertain significance for Hypophosphatemic nephrolithiasis/osteoporosis 1; Fanconi renotubular syndrome 2; Hypercalcemia, infantile, 2. Last evaluated: 2024-06-06. Review status: criteria provided, single submitter. Criteria: ACMG Guidelines, 2015. Collection method: clinical testing. Allele origin: germline.

Labcorp Genetics (formerly Invitae), Labcorp
Classification: Uncertain significance. Last evaluated: 2022-08-20. Review status: criteria provided, single submitter. Criteria: Invitae Variant Classification Sherloc (09022015). Collection method: clinical testing. Allele origin: germline.
Comment: This sequence change replaces threonine, which is neutral and polar, with methionine, which is neutral and non-polar, at codon 508 of the SLC34A1 protein (p.Thr508Met). This variant is present in population databases (rs148272921, gnomAD 0.008%). This variant has not been reported in the literature in individuals affected with SLC34A1-related conditions. ClinVar contains an entry for this variant (Variation ID: 1037478). Algorithms developed to predict the effect of missense changes on protein structure and function (SIFT, PolyPhen-2, Align-GVGD) all suggest that this variant is likely to be disruptive. In summary, the available evidence is currently insufficient to determine the role of this variant in disease. Therefore, it has been classified as a Variant of Uncertain Significance.